The following is an entry in ClinVar:

ClinVar aggregate classification (germline): Pathogenic/Likely pathogenic. Review status: criteria provided, multiple submitters, no conflicts (2 of 4 stars). 9 submissions from 8 submitters: Pathogenic (5); Likely pathogenic (2). 2 of the submissions do not count toward it. Last evaluated 2026-06-17.

Conditions:
ABCA4-related disorder. Also called: ABCA4-related condition; ABCA4-related disorders. Identifiers: MedGen CN239167.
Retinal dystrophy. Also called: Inherited retinal dystrophy. Identifiers: Orphanet 71862, MedGen C0854723, MeSH D058499, MONDO:0019118, HP:0000556.
Severe early-childhood-onset retinal dystrophy (STGD1). Also called: MACULAR DYSTROPHY WITH FLECKS, TYPE 1; STGD; Stargardt macular dystrophy; Juvenile onset macular degeneration; Stargardt disease 1. Identifiers: Orphanet 364055, Orphanet 827, MedGen C1855465, MeSH D000080362, MONDO:0009549, OMIM 248200.
Cone-rod dystrophy 3 (CORD3). Identifiers: Orphanet 1872, MedGen C1858806, MONDO:0011395, OMIM 604116.
Age related macular degeneration 2. Also called: MACULAR DEGENERATION, SENILE; MACULOPATHY, AGE-RELATED, 2; MACULOPATHY, AGE-RELATED. Identifiers: MedGen C3495438, MONDO:0007932, OMIM 153800.
Retinitis pigmentosa 19 (RP19). Also called: ABCA4-Related Retinitis Pigmentosa. Identifiers: Orphanet 791, MedGen C1866422, MONDO:0011137, OMIM 601718.

Allele frequency attached by ClinVar (database versions not stated): gnomAD exomes below 0.00001; TOPMed 0.00001.
gnomAD v4.1: 5 of 1,614,250 alleles (0.00031%); highest among the groups gnomAD compares: Non-Finnish European, 0.00042%; no homozygotes.

Submissions (9):

PreventionGenetics, part of Exact Sciences
Classification: Pathogenic for ABCA4-related condition. Last evaluated: 2026-06-17. Review status: criteria provided, single submitter. Criteria: ACMG Guidelines, 2015. Collection method: clinical testing. Allele origin: germline.
Comment: The ABCA4 c.194G>A variant is predicted to result in the amino acid substitution p.Gly65Glu. This variant has been reported in the compound heterozygous state in multiple unrelated individuals with Stargardt disease or ABCA4-related retinal disease (Fishman et al. 1999. PubMed ID: 10206579; Supplemental table 1, Stone et al. 2017. PubMed ID: 28559085; Supplemental table 1, Fujinami et al. 2018. PubMed ID: 29925512). This variant is reported in 0.00088% of alleles in individuals of European (Non-Finnish) descent in gnomAD. This variant has been classified as pathogenic or likely pathogenic by multiple independent submitters to the ClinVar database (Variation ID: 99107). Given the evidence, we interpret c.194G>A (p.Gly65Glu) as pathogenic.

Labcorp Genetics (formerly Invitae), Labcorp
Classification: Pathogenic. Last evaluated: 2025-12-16. Review status: criteria provided, single submitter. Criteria: Invitae Variant Classification Sherloc (09022015). Collection method: clinical testing. Allele origin: germline.
Comment: This sequence change replaces glycine, which is neutral and non-polar, with glutamic acid, which is acidic and polar, at codon 65 of the ABCA4 protein (p.Gly65Glu). This variant is present in population databases (rs62654395, gnomAD 0.0009%). This missense change has been observed in individual(s) with Stargardt disease (PMID: 10206579, 28559085). In at least one individual the data is consistent with being in trans (on the opposite chromosome) from a pathogenic variant. ClinVar contains an entry for this variant (Variation ID: 99107). Invitae Evidence Modeling of protein sequence and biophysical properties (such as structural, functional, and spatial information, amino acid conservation, physicochemical variation, residue mobility, and thermodynamic stability) indicates that this missense variant is expected to disrupt ABCA4 protein function with a positive predictive value of 95%. For these reasons, this variant has been classified as Pathogenic.

Fulgent Genetics
Classification: Pathogenic for Age related macular degeneration 2; Severe early-childhood-onset retinal dystrophy; Retinitis pigmentosa 19; Cone-rod dystrophy 3. Last evaluated: 2024-05-06. Review status: criteria provided, single submitter. Criteria: ACMG Guidelines, 2015. Collection method: clinical testing. Allele origin: germline.

Blueprint Genetics
Classification: Pathogenic for ABCA4-related disorders. Last evaluated: 2022-08-15. Review status: criteria provided, single submitter. Criteria: ACMG Guidelines, 2015. Collection method: clinical testing. Allele origin: germline. Affected: yes. Observed: 5 variant alleles.

Institute of Human Genetics, Univ. Regensburg, Univ. Regensburg
Classification: Likely pathogenic for Retinal dystrophy. Last evaluated: 2022-01-01. Review status: criteria provided, single submitter. Criteria: ACMG Guidelines, 2015. Collection method: clinical testing. Allele origin: germline. Affected: yes.

CeGaT Center for Human Genetics Tuebingen
Classification: Pathogenic. Last evaluated: 2020-02-01. Review status: criteria provided, single submitter. Criteria: CeGaT Center For Human Genetics Tuebingen Variant Classification Criteria Version 2. Collection method: clinical testing. Allele origin: germline. Affected: yes. Observed: 2 variant alleles.

Institute of Human Genetics, Univ. Regensburg, Univ. Regensburg
Classification: Likely pathogenic for Severe early-childhood-onset retinal dystrophy. Last evaluated: 2016-01-01. Review status: criteria provided, single submitter. Criteria: Schulz et al. (Invest Ophthalmol Vis Sci. 2017). Collection method: clinical testing. Allele origin: germline. Affected: yes. Observed: 3 heterozygotes.

Department of Ophthalmology and Visual Sciences Kyoto University
Classification: Pathogenic for Stargardt disease 1. Review status: no assertion criteria provided. Collection method: not provided. Allele origin: unknown. Not counted in ClinVar's aggregate classification.
ClinVar note: Converted during submission from pathogenic to Pathogenic.

Retina International
No classification provided. Review status: no classification provided. Collection method: not provided. Allele origin: not provided. Not counted in ClinVar's aggregate classification.

Literature cited by the submitters: PubMed 10206579 (cited by Labcorp Genetics (formerly Invitae), Labcorp and Institute of Human Genetics, Univ. Regensburg, Univ. Regensburg); PubMed 28559085 (cited by Labcorp Genetics (formerly Invitae), Labcorp and Institute of Human Genetics, Univ. Regensburg, Univ. Regensburg); PubMed 29555955 (cited by Institute of Human Genetics, Univ. Regensburg, Univ. Regensburg); PubMed 29925512 (cited by Institute of Human Genetics, Univ. Regensburg, Univ. Regensburg); PubMed 31964843 (cited by Institute of Human Genetics, Univ. Regensburg, Univ. Regensburg); PubMed 32307445 (cited by Institute of Human Genetics, Univ. Regensburg, Univ. Regensburg); PubMed 32531858 (cited by Institute of Human Genetics, Univ. Regensburg, Univ. Regensburg); PubMed 36284460 (cited by Institute of Human Genetics, Univ. Regensburg, Univ. Regensburg).

NM_000350.3(ABCA4):c.194G>A (p.Gly65Glu)

Gene: ABCA4 (ATP binding cassette subfamily A member 4; minus strand). Cytogenetic location: 1p22.1.
Variant type: single nucleotide variant.
Coding change: c.194G>A on transcript NM_000350.3 (MANE Select); coding-DNA position 194, G replaced by A.
Protein change: p.Gly65Glu; replaces glycine 65 with glutamic acid.
Molecular consequence: missense variant.
Genome position (GRCh38, 1-based): chr1:94,111,546, C>T on the plus strand (G>A on the coding strand, the complement: ABCA4 is on the minus strand). VCF-style: chr1-94111546-C-T. GRCh37 (hg19) VCF-style: chr1-94577102-C-T.
Other names: c.194G>A, p.Gly65Glu (NM_001425324.1); short protein forms G65E.
Identifiers: ClinVar variation 99107 (VCV000099107.55), dbSNP rs62654395, ClinGen allele CA226964.